The following is an entry in ClinVar:

ClinVar aggregate classification (germline): Uncertain significance. Review status: criteria provided, multiple submitters, no conflicts (2 of 4 stars). 2 submissions from 2 submitters: Uncertain significance (2). Last evaluated 2025-04-04.

Allele frequency attached by ClinVar (database versions not stated): gnomAD exomes below 0.00001.
gnomAD v4.1: 4 of 1,579,638 alleles (0.00025%); highest among the groups gnomAD compares: African/African-American, 0.0014%; no homozygotes.

Submissions (2):

Ambry Genetics
Classification: Uncertain significance. Last evaluated: 2025-04-04. Review status: criteria provided, single submitter. Criteria: Ambry Variant Classification Scheme 2023. Collection method: clinical testing. Allele origin: germline.
Comment: The p.H52R variant (also known as c.155A>G), located in coding exon 1 of the ATRIP gene, results from an A to G substitution at nucleotide position 155. The histidine at codon 52 is replaced by arginine, an amino acid with highly similar properties. This amino acid position is conserved. In addition, this alteration is predicted to be tolerated by in silico analysis. Based on the available evidence, the clinical significance of this variant remains unclear.

Labcorp Genetics (formerly Invitae), Labcorp
Classification: Uncertain significance. Last evaluated: 2023-10-04. Review status: criteria provided, single submitter. Criteria: Invitae Variant Classification Sherloc (09022015). Collection method: clinical testing. Allele origin: germline.
Comment: This sequence change replaces histidine, which is basic and polar, with arginine, which is basic and polar, at codon 52 of the ATRIP protein (p.His52Arg). This variant is not present in population databases (gnomAD no frequency). This variant has not been reported in the literature in individuals affected with ATRIP-related conditions. An algorithm developed to predict the effect of missense changes on protein structure and function (PolyPhen-2) suggests that this variant is likely to be disruptive. In summary, the available evidence is currently insufficient to determine the role of this variant in disease. Therefore, it has been classified as a Variant of Uncertain Significance.

NM_130384.3(ATRIP):c.155A>G (p.His52Arg)

Genes: ATRIP (ATR interacting protein; plus strand), ATRIP-TREX1 (ATRIP-TREX1 readthrough; plus strand), LOC129936703 (ATAC-STARR-seq lymphoblastoid silent region 14331; plus strand). Cytogenetic location: 3p21.31.
Variant type: single nucleotide variant.
Coding change: c.155A>G on transcript NM_130384.3 (MANE Select); coding-DNA position 155, A replaced by G.
Protein change: p.His52Arg; replaces histidine 52 with arginine.
Molecular consequence: missense variant. On other transcripts: non-coding transcript variant (1), intron variant (1).
Genome position (GRCh38, 1-based): chr3:48,447,000, A>G. VCF-style: chr3-48447000-A-G. GRCh37 (hg19) VCF-style: chr3-48488404-A-G.
Other names: c.155A>G, p.His52Arg (NM_032166.4); c.-218+201A>G (NM_001271022.2); c.155A>G (NM_130384.1); short protein forms H52R.
Identifiers: ClinVar variation 2866249 (VCV002866249.4), dbSNP rs2039693370, ClinGen allele CA352703271.